The following is an entry in ClinVar:

NM_024741.3(ZNF408):c.1585T>C (p.Cys529Arg)

Gene: ZNF408 (zinc finger protein 408; plus strand). Cytogenetic location: 11p11.2.
Variant type: single nucleotide variant.
Coding change: c.1585T>C on transcript NM_024741.3 (MANE Select); coding-DNA position 1585, T replaced by C.
Protein change: p.Cys529Arg; replaces cysteine 529 with arginine.
Molecular consequence: missense variant.
Genome position (GRCh38, 1-based): chr11:46,705,285, T>C. VCF-style: chr11-46705285-T-C. GRCh37 (hg19) VCF-style: chr11-46726835-T-C.
Other names: c.1561T>C, p.Cys521Arg (NM_001184751.2); short protein forms C529R, C521R.
Identifiers: ClinVar variation 1432824 (VCV001432824.6), dbSNP rs1277939631, ClinGen allele CA380256594.

ClinVar aggregate classification (germline): Uncertain significance (1 of 4 stars; one submission).

Allele frequency attached by ClinVar (database versions not stated): gnomAD 0.00001.
gnomAD v4.1: 2 of 1,612,112 alleles (0.00012%); highest among the groups gnomAD compares: Non-Finnish European, 0.000085%; no homozygotes.

Submission:

Labcorp Genetics (formerly Invitae), Labcorp
Classification: Uncertain significance. Last evaluated: 2021-08-12. Review status: criteria provided, single submitter. Criteria: Invitae Variant Classification Sherloc (09022015). Collection method: clinical testing. Allele origin: germline.
Comment: This sequence change replaces cysteine with arginine at codon 529 of the ZNF408 protein (p.Cys529Arg). The cysteine residue is highly conserved and there is a large physicochemical difference between cysteine and arginine. This variant is not present in population databases (ExAC no frequency). This variant has not been reported in the literature in individuals affected with ZNF408-related conditions. Algorithms developed to predict the effect of missense changes on protein structure and function (SIFT, PolyPhen-2, Align-GVGD) all suggest that this variant is likely to be disruptive. In summary, the available evidence is currently insufficient to determine the role of this variant in disease. Therefore, it has been classified as a Variant of Uncertain Significance.